The following is an entry in ClinVar:

ClinVar aggregate classification (germline): Conflicting classifications of pathogenicity. Review status: criteria provided, conflicting classifications (1 of 4 stars). 2 submissions from 2 submitters: Likely pathogenic (1); Uncertain significance (1). Last evaluated 2024-12-20.

Conditions:
Glycogen storage disease, type VII (GSD7). Also called: GSD VII; MUSCLE PHOSPHOFRUCTOKINASE DEFICIENCY; PFKM DEFICIENCY; TARUI DISEASE. Identifiers: Orphanet 371, MedGen C0017926, MONDO:0009295, OMIM 232800.

gnomAD v4.1: 3 of 1,597,488 alleles (0.00019%); highest among the groups gnomAD compares: African/African-American, 0.0013%; no homozygotes.

Submissions (2):

ARUP Laboratories, Molecular Genetics and Genomics, ARUP Laboratories
Classification: Likely pathogenic for Glycogen storage disease, type VII. Last evaluated: 2024-12-20. Review status: criteria provided, single submitter. Criteria: ARUP Molecular Germline Variant Investigation Process 2024. Collection method: clinical testing. Allele origin: germline.
Comment: The PFKM c.205+1G>A variant (rs776556348), to our knowledge, is not reported in the medical literature or gene specific databases. This variant is only observed on two alleles in the Genome Aggregation Database (v2.1.1), indicating it is not a common polymorphism. This variant disrupts the canonical splice donor site of intron 3, which is likely to negatively impact gene function. Based on available information, this variant is considered to be likely pathogenic.

Department of Pathology and Laboratory Medicine, Sinai Health System
Classification: Uncertain significance for Glycogen storage disease, type VII. Last evaluated: 2023-04-11. Review status: criteria provided, single submitter. Criteria: ACMG Guidelines, 2015. Collection method: research. Allele origin: germline.

NC_000012.12:g.48108195G>A

Gene: PFKM (phosphofructokinase, muscle; plus strand). Cytogenetic location: 12q13.11.
Variant type: single nucleotide variant.
Molecular consequence: intron variant (on NM_001354741.2). On other transcripts: splice donor variant (7).
Genome position: GRCh38 VCF-style: chr12-48108195-G-A. GRCh37 (hg19) VCF-style: chr12-48501978-G-A.
Other names: c.-81+2776G>A (NM_001354741.2); c.-9+2776G>A (NM_001354742.2); c.-85+2776G>A (NM_001354747.2); c.-9+2385G>A (NM_001354743.2); c.205+1G>A (NM_001166686.2, NM_001439058.1, NM_001354736.1 and 4 more transcripts).
Identifiers: ClinVar variation 3780114 (VCV003780114.2).